The following is an entry in ClinVar:

ClinVar aggregate classification (germline): Uncertain significance. Review status: criteria provided, multiple submitters, no conflicts (2 of 4 stars). 2 submissions from 2 submitters: Uncertain significance (2). Last evaluated 2024-12-12.

Conditions:
Inborn genetic diseases. Identifiers: MedGen C0950123, MeSH D030342.

Allele frequency attached by ClinVar (database versions not stated): gnomAD 0.00003; TOPMed 0.00003.
gnomAD v4.1: 8 of 1,614,010 alleles (0.0005%); highest among the groups gnomAD compares: African/African-American, 0.0093%; no homozygotes.

Submissions (2):

Ambry Genetics
Classification: Uncertain significance for Inborn genetic diseases. Last evaluated: 2024-12-12. Review status: criteria provided, single submitter. Criteria: Ambry Variant Classification Scheme 2023. Collection method: clinical testing. Allele origin: germline.
Comment: The p.G1466D variant (also known as c.4397G>A), located in coding exon 13 of the ASXL1 gene, results from a G to A substitution at nucleotide position 4397. The glycine at codon 1466 is replaced by aspartic acid, an amino acid with similar properties. This amino acid position is conserved. In addition, the in silico prediction for this alteration is inconclusive. Based on the available evidence, the clinical significance of this variant remains unclear.

Labcorp Genetics (formerly Invitae), Labcorp
Classification: Uncertain significance. Last evaluated: 2024-07-01. Review status: criteria provided, single submitter. Criteria: Invitae Variant Classification Sherloc (09022015). Collection method: clinical testing. Allele origin: germline.
Comment: This sequence change replaces glycine, which is neutral and non-polar, with aspartic acid, which is acidic and polar, at codon 1466 of the ASXL1 protein (p.Gly1466Asp). This variant is present in population databases (no rsID available, gnomAD 0.01%). This variant has not been reported in the literature in individuals affected with ASXL1-related conditions. ClinVar contains an entry for this variant (Variation ID: 2087377). An algorithm developed to predict the effect of missense changes on protein structure and function (PolyPhen-2) suggests that this variant is likely to be disruptive. In summary, the available evidence is currently insufficient to determine the role of this variant in disease. Therefore, it has been classified as a Variant of Uncertain Significance.

NM_015338.6(ASXL1):c.4397G>A (p.Gly1466Asp)

Gene: ASXL1 (ASXL transcriptional regulator 1; plus strand). Cytogenetic location: 20q11.21.
Variant type: single nucleotide variant.
Coding change: c.4397G>A on transcript NM_015338.6 (MANE Select); coding-DNA position 4397, G replaced by A.
Protein change: p.Gly1466Asp; replaces glycine 1466 with aspartic acid.
Molecular consequence: missense variant.
Genome position (GRCh38, 1-based): chr20:32,437,109, G>A. VCF-style: chr20-32437109-G-A. GRCh37 (hg19) VCF-style: chr20-31024912-G-A.
Other names: c.4214G>A, p.Gly1405Asp (NM_001363734.1); short protein forms G1405D, G1466D.
Identifiers: ClinVar variation 2087377 (VCV002087377.5), dbSNP rs1037113561, ClinGen allele CA313926390.